The following is an entry in ClinVar:

ClinVar aggregate classification (germline): Uncertain significance (1 of 4 stars; one submission).

Conditions:
GLUT1 deficiency syndrome 1, autosomal recessive. Identifiers: MedGen C3149117.

Allele frequency attached by ClinVar (database versions not stated): ExAC 0.00001; gnomAD 0.00001; gnomAD exomes 0.00001.
gnomAD v4.1: 8 of 1,611,914 alleles (0.0005%); highest among the groups gnomAD compares: African/African-American, 0.0013%; no homozygotes.

Submission:

Labcorp Genetics (formerly Invitae), Labcorp
Classification: Uncertain significance for GLUT1 deficiency syndrome 1, autosomal recessive. Last evaluated: 2022-03-24. Review status: criteria provided, single submitter. Criteria: Invitae Variant Classification Sherloc (09022015). Collection method: clinical testing. Allele origin: germline.
Comment: Advanced modeling of protein sequence and biophysical properties (such as structural, functional, and spatial information, amino acid conservation, physicochemical variation, residue mobility, and thermodynamic stability) performed at Invitae indicates that this missense variant is expected to disrupt SLC2A1 protein function. This variant has not been reported in the literature in individuals affected with SLC2A1-related conditions. This variant is present in population databases (rs773339124, gnomAD 0.003%). This sequence change replaces glycine, which is neutral and non-polar, with serine, which is neutral and polar, at codon 167 of the SLC2A1 protein (p.Gly167Ser). In summary, the available evidence is currently insufficient to determine the role of this variant in disease. Therefore, it has been classified as a Variant of Uncertain Significance.

NM_006516.4(SLC2A1):c.499G>A (p.Gly167Ser)

Gene: SLC2A1 (solute carrier family 2 member 1; minus strand). Cytogenetic location: 1p34.2.
Variant type: single nucleotide variant.
Coding change: c.499G>A on transcript NM_006516.4 (MANE Select); coding-DNA position 499, G replaced by A.
Protein change: p.Gly167Ser; replaces glycine 167 with serine.
Molecular consequence: missense variant.
Genome position (GRCh38, 1-based): chr1:42,930,643, C>T on the plus strand (G>A on the coding strand, the complement: SLC2A1 is on the minus strand). VCF-style: chr1-42930643-C-T. GRCh37 (hg19) VCF-style: chr1-43396314-C-T.
Other names: short protein forms G167S.
Identifiers: ClinVar variation 2200954 (VCV002200954.4), dbSNP rs773339124, ClinGen allele CA803538.